The following is an entry in ClinVar:

ClinVar aggregate classification (germline): Uncertain significance (1 of 4 stars; one submission).

Submission:

Laboratorio de Genetica e Diagnostico Molecular, Hospital Israelita Albert Einstein
Classification: Uncertain significance. Last evaluated: 2020-09-09. Review status: criteria provided, single submitter. Criteria: ACMG Guidelines, 2015. Collection method: clinical testing. Allele origin: germline. Affected: yes.
Comment: ACMG classification criteria: PM2, PM4

NM_030632.3(ASXL3):c.4456_4461del (p.1484SL[1])

Gene: ASXL3 (ASXL transcriptional regulator 3; plus strand). Cytogenetic location: 18q12.1.
Variant type: Deletion.
Coding change: c.4456_4461del on transcript NM_030632.3 (MANE Select); coding-DNA positions 4456 to 4461, 6 bases deleted (TCTCTG; older notation c.4456_4461delTCTCTG).
Protein change: p.1484SL[1].
Molecular consequence: inframe deletion.
Genome position (GRCh38, 1-based): chr18:33,744,304-33,744,309, TCTCTG deleted; deleting any 6 consecutive bases within chr18:33,744,302-33,744,309 gives the same sequence; the c. name uses the placement nearest the transcript's 3' end. VCF-style (leftmost placement, unchanged base first): chr18-33744301-TTGTCTC-T. GRCh37 (hg19) VCF-style: chr18-31324265-TTGTCTC-T.
Other names: c.4454_4459del (NM_030632.3).
Identifiers: ClinVar variation 1690931 (VCV001690931.2), dbSNP rs1688963159, ClinGen allele CA2294858080.